The following is an entry in ClinVar:

ClinVar aggregate classification (germline): Likely pathogenic (1 of 4 stars; one submission).

Conditions:
Intrinsic cardiomyopathy. Identifiers: MedGen CN305117, MONDO:0000591.

Submission:

Molecular Genetics, Royal Melbourne Hospital
Classification: Likely pathogenic for Intrinsic cardiomyopathy. Last evaluated: 2022-11-03. Review status: criteria provided, single submitter. Criteria: ACMG Guidelines, 2015. Collection method: clinical testing. Allele origin: germline. Affected: yes.
Comment: This sequence change in ACTN2 is a nonsense variant predicted to cause a premature stop codon, p.(Ser80*), in biologically relevant exon 2/21 leading to nonsense-mediated decay in a gene in which loss-of-function is a disease mechanism (PMID: 22767232, 28436997, 31333075, 32973354, 33500567, 34802252). This variant is absent from the population database gnomAD v2.1 and v3.1. To our knowledge, this variant has not been reported in the literature or relevant databases. Based on the classification scheme RMH Modified ACMG Guidelines v1.5.1, this variant is classified as LIKELY PATHOGENIC. Following criteria are met: PVS1, PM2_Supporting.

Literature cited by the submitters: PubMed 22767232; PubMed 28436997; PubMed 31333075; PubMed 32973354; PubMed 33500567; PubMed 34802252.

NM_001103.4(ACTN2):c.239C>G (p.Ser80Ter)

Gene: ACTN2 (actinin alpha 2; plus strand). Cytogenetic location: 1q43.
Variant type: single nucleotide variant.
Coding change: c.239C>G on transcript NM_001103.4 (MANE Select); coding-DNA position 239, C replaced by G.
Protein change: p.Ser80Ter; replaces serine 80 with a stop codon.
Molecular consequence: nonsense. On other transcripts: non-coding transcript variant (1).
Genome position (GRCh38, 1-based): chr1:236,717,970, C>G. VCF-style: chr1-236717970-C-G. GRCh37 (hg19) VCF-style: chr1-236881270-C-G.
Other names: c.239C>G, p.Ser80Ter (NM_001278343.2); c.-583C>G (NM_001278344.2); c.-708C>G (NM_001412150.1); short protein forms S80*.
Identifiers: ClinVar variation 3068664 (VCV003068664.1), dbSNP rs2527534967, ClinGen allele CA345373429.
Genomic context (GRCh38, chr1:236,717,970, plus strand): 5'-AGAACATCGAGGAAGACTTCAGGAATGGCCTTAAGCTCATGCTGCTTTTGGAAGTCATCT[C>G]AGGTTGGTGTTATATATCCCATCCTATGCTTTCATGTGTTATCAGTAGGTGAGCATCTAT-3'